The following is an entry in ClinVar:

GRCh37/hg19 Xp21.2(chrX:29357723-29545322)x1

Gene: IL1RAPL1 (interleukin 1 receptor accessory protein like 1; plus strand). Cytogenetic location: Xp21.2.
Variant type: copy number loss.
Change: copy number 1 of chrX:29,357,723-29,545,322 (187.6 kb, GRCh37 coordinates, 1-based), cytogenetic band Xp21.2.
Identifiers: ClinVar variation 3391838 (VCV003391838.1).

ClinVar aggregate classification (germline): Likely pathogenic (1 of 4 stars; one submission).

Submission:

Quest Diagnostics Nichols Institute San Juan Capistrano
Classification: Likely pathogenic. Last evaluated: 2023-09-23. Review status: criteria provided, single submitter. Criteria: ACMG/ClinGen CNV Guidelines, 2019. Collection method: clinical testing. Allele origin: unknown.
Comment: This loss involves an intragenic portion of IL1RAPL1 (OMIM 300206; NM_014271.4), which is expected to result in a reading frame shift. Haploinsufficiency of IL1RAPL1 is associated with X-linked intellectual developmental disorder-21 (XLID21; OMIM 300143; ISCA-35275; Behnecke 2011, Whibley 2010). Therefore, this copy number variant is classified as likely pathogenic. References: Behnecke et al., Am J Med Genet 2011 Feb;155A(2):372-9 PMID: 21271657; Whibley et al., Am J Hum Genet. 2010 Aug 13;87(2):173-88. PMID: 20655035